The following is an entry in ClinVar:

ClinVar aggregate classification (germline): Benign. Review status: reviewed by expert panel (3 of 4 stars). 9 submissions from 8 submitters: Benign (1). 8 of the submissions do not count toward it. Last evaluated 2026-02-18.

Conditions:
Open-angle glaucoma. Identifiers: MedGen C0017612, MONDO:0005338, HP:0012108.
MYOC-related disorder. Also called: MYOC-related condition; MYOC-related disorders. Identifiers: MedGen CN239330.
Glaucoma 1, open angle, A (GLC1A). Also called: Glaucoma, Dominant (Juvenile Onset). Identifiers: Orphanet 98977, MedGen C1842028, MONDO:0007664, OMIM 137750.
GLAUCOMA 3, PRIMARY CONGENITAL, A, DIGENIC. Identifiers: MedGen C1866550.

Allele frequency attached by ClinVar (database versions not stated): gnomAD 0.00001 and 0.00027; TOPMed 0.00005; gnomAD exomes 0.00050 and 0.00098; ExAC 0.00132; 1000 Genomes Project 30x 0.00219; 1000 Genomes Project 0.00260.
gnomAD v4.1: 774 of 1,614,246 alleles (0.048%); highest among the groups gnomAD compares: South Asian, 0.8%; 11 homozygotes.

Submissions (9):

ClinGen Glaucoma Variant Curation Expert Panel
Classification: Benign for Open-angle glaucoma. Last evaluated: 2026-02-18. Review status: reviewed by expert panel. Criteria: ClinGen Glaucoma ACMG Specifications V2.0.0 Approved. Collection method: curation. Allele origin: germline. Inheritance: Autosomal dominant inheritance.
Comment: The c.144G>T variant in MYOC is a missense variant predicted to cause substitution of Glutamine by Histidine at amino acid 48 (p.Gln48His). The highest minor allele frequency of this variant was in the South Asian genetic ancestry group of gnomAD (v4.1.0) = 0.007993, which met the ≥ 0.001 threshold set for BS1 (728 alleles out of 91,080), meeting the threshold of ≥ 5 of at least 2,000 observed alleles). The REVEL score = 0.257, which is within the 0.184-0.290 range for BP4 , suggesting that the variant does not impact MYOC function. The Gln48His protein had similar solubility and secretion levels to wild type myocilin protein in these studies (PMIDs: 35196929, 16466712, 10545602). The assays met the OddsPath threshold for BS3_Moderate (< 0.23), indicating that this variant did not impact protein function. As BS1 was met, PP1 did not apply and segregations were not counted. Although probands with juvenile or primary open angle glaucoma have been reported carrying this variant, PM2_Supporting was not met, therefore PS4 did not apply. In summary, this variant met the criteria to receive a score of -7 and to be classified as benign (benign classification ≤ -7, adapted from PMID: 32720330) for juvenile open angle glaucoma based on the ACMG/AMP criteria met, as specified by the ClinGen Glaucoma VCEP (v2.0.0, 5 Dec 2024): BS1, BS3_Moderate, BP4

Labcorp Genetics (formerly Invitae), Labcorp
Classification: Benign. Last evaluated: 2023-02-02. Review status: criteria provided, single submitter. Criteria: Invitae Variant Classification Sherloc (09022015). Collection method: clinical testing. Allele origin: germline. Not counted in ClinVar's aggregate classification.

Department of Pathology and Laboratory Medicine, Sinai Health System
Classification: Likely benign for Glaucoma 1, open angle, A. Last evaluated: 2022-06-29. Review status: criteria provided, single submitter. Criteria: ACMG Guidelines, 2015. Collection method: research. Allele origin: germline. Not counted in ClinVar's aggregate classification.

Fulgent Genetics
Classification: Likely benign for Glaucoma 1, open angle, A. Last evaluated: 2022-05-17. Review status: criteria provided, single submitter. Criteria: ACMG Guidelines, 2015. Collection method: clinical testing. Allele origin: unknown. Not counted in ClinVar's aggregate classification.

Illumina Laboratory Services, Illumina
Classification: Pathogenic for MYOC-Related Disorders. Last evaluated: 2017-08-30. Review status: criteria provided, single submitter. Criteria: ICSL Variant Classification Criteria 09 May 2019. Collection method: clinical testing. Allele origin: germline. Not counted in ClinVar's aggregate classification.
Comment: Across a selection of the available literature, the MYOC c.144G>T (p.Gln48His) missense variant has been identified in a homozygous state in one individual with primary congenital glaucoma (PCG), and in a heterozygous state in 13 individuals with primary open angle glaucoma, eight with PCG, four with juvenile open angle glaucoma and five with microcoria and glaucoma (Mukhopadhyay et al. 2002; Sripriya et al. 2004; Chakrabarti et al. 2005; Kaur et al. 2005; Ramprasad et al. 2005; Kumar et al. 2007; Rose et al. 2011; Banerjee et al. 2012). The variant was absent from 1110 ethnically matched controls but is reported with a frequency of 0.02451 in the Sri Lankan Tamil in the UK population of the 1000 Genomes Project. This allele frequency is high but is consistent with the variant being one of the most commonly reported and well-described variants associated with glaucoma in the South Asian population (Sripriya et al. 2004; Ramprasad et al. 2005). The Gln48 residue is conserved. Based on the collective evidence, the p.Gln48His variant is classified as pathogenic for MYOC-related disorders. This variant was observed by ICSL as part of a predisposition screen in an ostensibly healthy population.

PreventionGenetics, part of Exact Sciences
Classification: Likely benign for MYOC-related condition. Last evaluated: 2022-08-24. Review status: no assertion criteria provided. Collection method: clinical testing. Allele origin: germline. Not counted in ClinVar's aggregate classification.
Comment: This variant is classified as likely benign based on ACMG/AMP sequence variant interpretation guidelines (Richards et al. 2015 PMID: 25741868, with internal and published modifications).

Reproductive Health Research and Development, BGI Genomics
Classification: Pathogenic for Glaucoma 1, open angle, A. Last evaluated: 2020-01-06. Review status: no assertion criteria provided. Collection method: curation. Allele origin: germline. Not counted in ClinVar's aggregate classification.
Comment: NM_000261.1:c.144G>T in the MYOC gene has an allele frequency of 0.008 in South Asian subpopulation in the gnomAD database.The MYOC c.144G>T (p.Gln48His) missense variant was identified in 4 of the 450 POAG patients (PMID: 22736945) and in two POAG patients from Chennai (PMID: 22194650). It was also observed in five of the eight glaucoma patients (PMID: 16288197). Chakrabarti S et al reported that the Gln48His mutation was detected in 9 different glaucoma patients (four POAG and five PCG) and all four POAG cases were heterozygous, among PCG cases, four were heterozygous and one exhibited homozygous genotype for the mutation(PMID: 15723004). Taken together, we interprete this variant as Pathogenic/Likely pathogenic. ACMG/AMP Criteria applied: PS3, PS4, PP4

OMIM
Classification: Pathogenic for GLAUCOMA 1, OPEN ANGLE, A. Last evaluated: 2005-04-01. Review status: no assertion criteria provided. Collection method: literature only. Allele origin: germline. Not counted in ClinVar's aggregate classification.

OMIM
Classification: Pathogenic for GLAUCOMA 3, PRIMARY CONGENITAL, A, DIGENIC. Last evaluated: 2005-04-01. Review status: no assertion criteria provided. Collection method: literature only. Allele origin: germline. Not counted in ClinVar's aggregate classification.

Literature cited by the submitters: PubMed 36267417 (cited by ClinGen Glaucoma Variant Curation Expert Panel); PubMed 16466712 (cited by ClinGen Glaucoma Variant Curation Expert Panel); PubMed 35196929 (cited by ClinGen Glaucoma Variant Curation Expert Panel); PubMed 12447164 (cited by Illumina Laboratory Services, Illumina); PubMed 22736945 (cited by Illumina Laboratory Services, Illumina); PubMed 22194650 (cited by Illumina Laboratory Services, Illumina); PubMed 17563717 (cited by Illumina Laboratory Services, Illumina); PubMed 16288197 (cited by Illumina Laboratory Services, Illumina); PubMed 15723004 (cited by Illumina Laboratory Services, Illumina); PubMed 15025728 (cited by Illumina Laboratory Services, Illumina and OMIM); PubMed 15733270 (cited by Illumina Laboratory Services, Illumina and OMIM).

NM_000261.2(MYOC):c.144G>T (p.Gln48His)

Gene: MYOC (myocilin; minus strand). Cytogenetic location: 1q24.3.
Variant type: single nucleotide variant.
Coding change: c.144G>T on transcript NM_000261.2 (MANE Select); coding-DNA position 144, G replaced by T.
Protein change: p.Gln48His; replaces glutamine 48 with histidine.
Molecular consequence: missense variant.
Genome position (GRCh38, 1-based): chr1:171,652,468, C>A on the plus strand (G>T on the coding strand, the complement: MYOC is on the minus strand). VCF-style: chr1-171652468-C-A. GRCh37 (hg19) VCF-style: chr1-171621608-C-A.
Other names: NM_000261.2(MYOC):c.144G>T; short protein forms Q48H.
Identifiers: ClinVar variation 7958 (VCV000007958.23), dbSNP rs74315339, ClinGen allele CA119183.
Genomic context (GRCh38, chr1:171,652,468, plus strand): 5'-CATGGCCTGGCTCTGCTCTGGGCAGCTGGATTCATTGGGACTGGCCACACTGAAGGTATA[C>A]TGGCATCGGCCACTCTGGTCATTGGCCTTCCTGAGCTGAGCTGTCCTGGCCCCCACATCC-3'
Protein context (NP_000252.1, residues 38-58): RKANDQSGRC[Gln48His]YTFSVASPNE